The following is an entry in ClinVar:

ClinVar aggregate classification (germline): Uncertain significance (1 of 4 stars; one submission).

Conditions:
Primary ciliary dyskinesia 12. Also called: CILIARY DYSKINESIA, PRIMARY, 12, WITHOUT SITUS INVERSUS. Identifiers: Orphanet 244, MedGen C2675228, MONDO:0012979, OMIM 612650.

Submission:

Illumina Laboratory Services, Illumina
Classification: Uncertain significance for Primary ciliary dyskinesia 12. Last evaluated: 2017-04-27. Review status: criteria provided, single submitter. Criteria: ICSL Variant Classification Criteria 13 December 2019. Collection method: clinical testing. Allele origin: germline.
Comment: This variant was observed as part of a predisposition screen in an ostensibly healthy population. A literature search was performed for the gene, cDNA change, and amino acid change (where applicable). Publications were found based on this search. However, the evidence from the literature, in combination with allele frequency data from public databases where available, was not sufficient to rule this variant in or out of causing disease. Therefore, this variant is classified as a variant of unknown significance.

Literature cited by the submitters: PubMed 19200523; PubMed 23993197.

NM_152732.5(RSPH9):c.806A>T (p.Asn269Ile)

Gene: RSPH9 (radial spoke head component 9; plus strand). Cytogenetic location: 6p21.1.
Variant type: single nucleotide variant.
Coding change: c.806A>T on transcript NM_152732.5 (MANE Select); coding-DNA position 806, A replaced by T.
Protein change: p.Asn269Ile; replaces asparagine 269 with isoleucine.
Molecular consequence: missense variant. On other transcripts: non-coding transcript variant (2).
Genome position (GRCh38, 1-based): chr6:43,670,924, A>T. VCF-style: chr6-43670924-A-T. GRCh37 (hg19) VCF-style: chr6-43638661-A-T.
Other names: c.858A>T, p.Glu286Asp (NM_001193341.2); c.903A>T, p.Glu301Asp (NM_001424119.1); c.761A>T, p.Asn254Ile (NM_001424120.1); short protein forms N269I, E286D, E301D, N254I.
Identifiers: ClinVar variation 908044 (VCV000908044.6), dbSNP rs1773664252, ClinGen allele CA364278596.